The following is an entry in ClinVar:

NM_001130823.3(DNMT1):c.78G>C (p.Arg26Ser)

Genes: DNMT1 (DNA methyltransferase 1; minus strand), LOC130063472 (ATAC-STARR-seq lymphoblastoid silent region 10057; plus strand). Cytogenetic location: 19p13.2.
Variant type: single nucleotide variant.
Coding change: c.78G>C on transcript NM_001130823.3 (MANE Select); coding-DNA position 78, G replaced by C.
Protein change: p.Arg26Ser; replaces arginine 26 with serine.
Molecular consequence: missense variant. On other transcripts: 5 prime UTR variant (1).
Genome position (GRCh38, 1-based): chr19:10,194,822, C>G on the plus strand (G>C on the coding strand, the complement: DNMT1 is on the minus strand). VCF-style: chr19-10194822-C-G. GRCh37 (hg19) VCF-style: chr19-10305498-C-G.
Other names: c.78G>C (LRG_362t1, NM_001379.2); c.78G>C, p.Arg26Ser (NM_001318730.2, NM_001379.4); c.-246G>C (NM_001318731.2); short protein forms R26S.
Identifiers: ClinVar variation 539596 (VCV000539596.10), dbSNP rs780503694, ClinGen allele CA9188874.

ClinVar aggregate classification (germline): Uncertain significance. Review status: criteria provided, multiple submitters, no conflicts (2 of 4 stars). 2 submissions from 2 submitters: Uncertain significance (2). Last evaluated 2025-05-22.

Conditions:
Inborn genetic diseases. Identifiers: MedGen C0950123, MeSH D030342.
Hereditary sensory neuropathy-deafness-dementia syndrome. Also called: Hereditary sensory neuropathy type IE; NEUROPATHY, HEREDITARY SENSORY, WITH HEARING LOSS AND DEMENTIA; Hereditary Sensory and Autonomic Neuropathy Type 1E (HSAN1E); HSN IE. Identifiers: Orphanet 456318, MedGen C3279885, MONDO:0013584, OMIM 614116.

Allele frequency attached by ClinVar (database versions not stated): gnomAD exomes below 0.00001 and 0.00001; ExAC 0.00001.
gnomAD v4.1: 13 of 1,611,978 alleles (0.00081%); highest among the groups gnomAD compares: Non-Finnish European, 0.0011%; no homozygotes.

Submissions (2):

Labcorp Genetics (formerly Invitae), Labcorp
Classification: Uncertain significance for Hereditary sensory neuropathy-deafness-dementia syndrome. Last evaluated: 2025-05-22. Review status: criteria provided, single submitter. Criteria: Invitae Variant Classification Sherloc (09022015). Collection method: clinical testing. Allele origin: germline.
Comment: This sequence change replaces arginine, which is basic and polar, with serine, which is neutral and polar, at codon 26 of the DNMT1 protein (p.Arg26Ser). This variant is present in population databases (rs780503694, gnomAD 0.001%). This variant has not been reported in the literature in individuals affected with DNMT1-related conditions. ClinVar contains an entry for this variant (Variation ID: 539596). An algorithm developed to predict the effect of missense changes on protein structure and function (PolyPhen-2) suggests that this variant is likely to be disruptive. In summary, the available evidence is currently insufficient to determine the role of this variant in disease. Therefore, it has been classified as a Variant of Uncertain Significance.

Ambry Genetics
Classification: Uncertain significance for Inborn genetic diseases. Last evaluated: 2023-10-12. Review status: criteria provided, single submitter. Criteria: Ambry Variant Classification Scheme 2023. Collection method: clinical testing. Allele origin: germline.